The following is an entry in ClinVar:

ClinVar aggregate classification (germline): Uncertain significance (1 of 4 stars; one submission).

gnomAD v4.1: 1 of 1,614,158 alleles (0.000062%); highest among the groups gnomAD compares: Non-Finnish European, 0.000085%; no homozygotes.

Submission:

Ambry Genetics
Classification: Uncertain significance. Last evaluated: 2024-06-04. Review status: criteria provided, single submitter. Criteria: Ambry Variant Classification Scheme 2023. Collection method: clinical testing. Allele origin: germline.
Comment: The p.G1616E variant (also known as c.4847G>A), located in coding exon 4 of the ALPK2 gene, results from a G to A substitution at nucleotide position 4847. The glycine at codon 1616 is replaced by glutamic acid, an amino acid with similar properties. This amino acid position is conserved. In addition, this alteration is predicted to be tolerated by in silico analysis. Based on the available evidence, the clinical significance of this variant remains unclear.

NM_052947.4(ALPK2):c.4847G>A (p.Gly1616Glu)

Genes: ALPK2 (alpha kinase 2; minus strand), LOC130062578 (ATAC-STARR-seq lymphoblastoid active region 13390; plus strand). Cytogenetic location: 18q21.31.
Variant type: single nucleotide variant.
Coding change: c.4847G>A on transcript NM_052947.4 (MANE Select); coding-DNA position 4847, G replaced by A.
Protein change: p.Gly1616Glu; replaces glycine 1616 with glutamic acid.
Molecular consequence: missense variant.
Genome position (GRCh38, 1-based): chr18:58,535,340, C>T on the plus strand (G>A on the coding strand, the complement: ALPK2 is on the minus strand). VCF-style: chr18-58535340-C-T. GRCh37 (hg19) VCF-style: chr18-56202572-C-T.
Other names: short protein forms G1616E.
Identifiers: ClinVar variation 3290621 (VCV003290621.1).